The following is an entry in ClinVar:

ClinVar aggregate classification (germline): Pathogenic (1 of 4 stars; one submission).

Submission:

Labcorp Genetics (formerly Invitae), Labcorp
Classification: Pathogenic. Last evaluated: 2024-02-20. Review status: criteria provided, single submitter. Criteria: Invitae Variant Classification Sherloc (09022015). Collection method: clinical testing. Allele origin: germline.
Comment: This sequence change creates a premature translational stop signal (p.Cys61*) in the AAGAB gene. It is expected to result in an absent or disrupted protein product. Loss-of-function variants in AAGAB are known to be pathogenic (PMID: 23000146, 23064416, 23563198, 23633024, 24390136). This variant is not present in population databases (gnomAD no frequency). This variant has not been reported in the literature in individuals affected with AAGAB-related conditions. For these reasons, this variant has been classified as Pathogenic.

Literature cited by the submitters: PubMed 23000146; PubMed 23064416; PubMed 23563198; PubMed 23633024; PubMed 24390136.

NM_024666.5(AAGAB):c.183T>A (p.Cys61Ter)

Gene: AAGAB (alpha and gamma adaptin binding protein; minus strand). Cytogenetic location: 15q23.
Variant type: single nucleotide variant.
Coding change: c.183T>A on transcript NM_024666.5 (MANE Select); coding-DNA position 183, T replaced by A.
Protein change: p.Cys61Ter; replaces cysteine 61 with a stop codon.
Molecular consequence: nonsense. On other transcripts: 5 prime UTR variant (2).
Genome position (GRCh38, 1-based): chr15:67,236,711, A>T on the plus strand (T>A on the coding strand, the complement: AAGAB is on the minus strand). VCF-style: chr15-67236711-A-T. GRCh37 (hg19) VCF-style: chr15-67529049-A-T.
Other names: c.-145T>A (NM_001271885.2, NM_001271886.2); short protein forms C61*.
Identifiers: ClinVar variation 3642333 (VCV003642333.2).